The following is an entry in ClinVar:

NM_001034853.2(RPGR):c.28+5G>C

Genes: RPGR (retinitis pigmentosa GTPase regulator; minus strand), LOC130068098 (ATAC-STARR-seq lymphoblastoid silent region 20735; plus strand). Cytogenetic location: Xp11.4.
Variant type: single nucleotide variant.
Coding change: c.28+5G>C on transcript NM_001034853.2 (MANE Select); 5 bases into the intron after coding-DNA position 28, G replaced by C.
Molecular consequence: intron variant.
Genome position (GRCh38, 1-based): chrX:38,327,335, C>G on the plus strand (G>C on the coding strand, the complement: RPGR is on the minus strand). VCF-style: chrX-38327335-C-G. GRCh37 (hg19) VCF-style: chrX-38186588-C-G.
Other names: c.28+5G>C (NM_001367249.1, NM_001367250.1, NM_001367245.1 and 4 more transcripts).
Identifiers: ClinVar variation 5001164 (VCV005001164.1).

ClinVar aggregate classification (germline): Uncertain significance (1 of 4 stars; one submission).

Conditions:
RPGR-related disorder. Also called: RPGR-related condition.

Submission:

PreventionGenetics, part of Exact Sciences
Classification: Uncertain significance for RPGR-related condition. Last evaluated: 2025-06-18. Review status: criteria provided, single submitter. Criteria: ACMG Guidelines, 2015. Collection method: clinical testing. Allele origin: germline.
Comment: The RPGR c.28+5G>C variant is predicted to interfere with splicing. This variant is predicted to alter splicing based on available splicing prediction software (SpliceAI, Jaganathan et al. 2019. PubMed ID: 30661751). However, the use of computer prediction softwares is not equivalent to functional evidence. To our knowledge, this variant has not been reported in the literature or in a large population database (gnomAD), indicating this variant is rare. Alternative variant at the same nucleotide c.29+5G>A has been reported in retinitis pigmentosa (family RP1120, Table 2, Zito et al. 1999. PubMed ID: 10480356; Table 1, Foote et al. 2019. PubMed ID: 30924848; Table S7, Koyanagi et al. 2019. PubMed ID: 31213501). At this time, the clinical significance of this variant is uncertain due to the absence of conclusive functional and genetic evidence.